The following is an entry in ClinVar:

NM_000051.4(ATM):c.1010G>A (p.Arg337His)

Gene: ATM (ATM serine/threonine kinase; plus strand). Cytogenetic location: 11q22.3.
Variant type: single nucleotide variant.
Coding change: c.1010G>A on transcript NM_000051.4 (MANE Select); coding-DNA position 1010, G replaced by A.
Protein change: p.Arg337His; replaces arginine 337 with histidine.
Molecular consequence: missense variant.
Genome position (GRCh38, 1-based): chr11:108,247,072, G>A. VCF-style: chr11-108247072-G-A. GRCh37 (hg19) VCF-style: chr11-108117799-G-A.
Other names: p.R337H:CGT>CAT; c.1010G>A, p.Arg337His (NM_001351834.2); short protein forms R337H.
Identifiers: ClinVar variation 127328 (VCV000127328.79), dbSNP rs202160435, ClinGen allele CA286705.

ClinVar aggregate classification (germline): Conflicting classifications of pathogenicity. Review status: criteria provided, conflicting classifications (1 of 4 stars). 23 submissions from 23 submitters: Uncertain significance (15); Benign (1); Likely benign (4). 3 of the submissions do not count toward it. Last evaluated 2026-02-02.
ClinVar aggregate classification (oncogenicity): Uncertain significance (1 of 4 stars; one submission).

Conditions:
ATM-related disorder. Also called: ATM-related disorders; ATM-related condition.
Breast and/or ovarian cancer. Identifiers: MedGen CN221562.
Hereditary cancer-predisposing syndrome. Also called: Tumor predisposition; Hereditary neoplastic syndrome; Neoplastic Syndromes, Hereditary; Hereditary Cancer Syndrome. Identifiers: Orphanet 140162, MedGen C0027672, MeSH D009386, MONDO:0015356.
Familial cancer of breast. Also called: Hereditary breast cancer; hereditary breast carcinoma; BREAST CANCER, FAMILIAL. Identifiers: Orphanet 227535, MedGen C0346153, MONDO:0016419, OMIM 114480. Disease mechanism: loss of function.
Ataxia-telangiectasia syndrome (AT). Also called: LOUIS-BAR SYNDROME; Ataxia-telangiectasia; Ataxia telangiectasia (A-T); Cerebello-oculocutaneous telangiectasia; Immunodeficiency with ataxia telangiectasia; Ataxia-telangiectasia, complementation group D. Identifiers: Orphanet 100, MedGen C0004135, MONDO:0008840, OMIM 208900.
Malignant tumor of breast. Also called: Malignant breast neoplasm; Cancer breast. Identifiers: MedGen C0006142, MONDO:0007254. Disease mechanism: loss of function.
Neoplasm. Also called: Neoplasms; Neoplasm (disease); tumor. Identifiers: MedGen C0027651, MeSH D009369, MONDO:0005070, HP:0002664.

Allele frequency attached by ClinVar (database versions not stated): gnomAD 0.00006 and 0.00007; TOPMed 0.00006; gnomAD exomes 0.00008; ExAC 0.00009; 1000 Genomes Project 30x 0.00031; 1000 Genomes Project 0.00040.
gnomAD v4.1: 120 of 1,613,880 alleles (0.0074%); highest among the groups gnomAD compares: Admixed American, 0.038%; no homozygotes.

Submissions 1 to 14 of 24:

Labcorp Genetics (formerly Invitae), Labcorp
Classification: Benign for Ataxia-telangiectasia syndrome. Last evaluated: 2026-02-02. Review status: criteria provided, single submitter. Criteria: Invitae Variant Classification Sherloc (09022015). Collection method: clinical testing. Allele origin: germline.

Color Diagnostics, LLC DBA Color Health
Classification: Uncertain significance for Hereditary cancer-predisposing syndrome. Last evaluated: 2025-11-25. Review status: criteria provided, single submitter. Criteria: ACMG Guidelines, 2015. Collection method: clinical testing. Allele origin: germline.
Comment: This missense variant replaces arginine with histidine at codon 337 of the ATM protein. Computational prediction suggests that this variant may not impact protein structure and function. To our knowledge, functional studies have not been reported for this variant. This variant has been reported in individuals affected with breast cancer including in a breast cancer case-control meta-analysis in 8/60466 cases and 4/53461 unaffected individuals (PMID: 20305132, 23555315, 25186627, 29522266, 30303537, 33471991LOVD DB-ID ATM_001226). This variant also has been reported in an individual affected with prostate cancer (PMID: 33436325) and in 3 individuals older than age 70 years who have never had cancer (FLOSSIES database). This variant has been identified in 120/1613880 chromosomes in the general population by the Genome Aggregation Database (gnomAD). The available evidence is insufficient to determine the role of this variant in disease conclusively. Therefore, this variant is classified as a Variant of Uncertain Significance.

Mayo Clinic Laboratories, Mayo Clinic
Classification: Uncertain significance. Last evaluated: 2025-11-12. Review status: criteria provided, single submitter. Criteria: ACMG Guidelines, 2015. Collection method: clinical testing. Allele origin: germline. Observed: 2 variant alleles.

PreventionGenetics, part of Exact Sciences
Classification: Uncertain significance for ATM-related condition. Last evaluated: 2025-07-14. Review status: criteria provided, single submitter. Criteria: ACMG Guidelines, 2015. Collection method: clinical testing. Allele origin: germline.
Comment: The ATM c.1010G>A variant is predicted to result in the amino acid substitution p.Arg337His. This variant was reported in individuals with breast, prostate, and pancreatic cancer as well as unaffected controls (Girard et al. 2019. PubMed ID: 30303537; Table S4, Karlsson et al. 2021. PubMed ID: 33436325; eTable 3, George et al. 2021. PubMed ID: 33646313; Figure 2B, Yu et al. 2021. PubMed ID: 35047863; Breast Cancer Association Consortium et al. 2021. PubMed ID: 33471991). This variant is reported in 0.012% of alleles in individuals of European (Non-Finnish) descent in gnomAD and has conflicting interpretations regarding its pathogenicity in ClinVar, ranging from likely benign to uncertain. At this time, the clinical significance of this variant is uncertain due to the absence of conclusive functional and genetic evidence.

GeneDx
Classification: Uncertain significance. Last evaluated: 2025-06-02. Review status: criteria provided, single submitter. Criteria: GeneDx Variant Classification Process June 2021. Collection method: clinical testing. Allele origin: germline. Affected: yes.
Comment: In silico analysis supports that this missense variant has a deleterious effect on protein structure/function; Not observed at significant frequency in large population cohorts (gnomAD); Observed in individuals with breast, prostate, and other cancers, and also in unaffected controls (PMID: 25186627, 26580448, 28779002, 28652578, 29522266, 30303537, 33436325, 33471991); This variant is associated with the following publications: (PMID: 22484628, 29522266, 25078331, 23103869, 27586204, 22037554, 23788652, 24997986, 27067779, 28480077, 24356096, 28179590, 25186627, 28779002, 30303537, 30814645, 32183301, 33436325, 35047863, 33646313, 25882375, 19781682, 36361687, 26580448, 34921020, 35264596, 33415580, 28652578, 20305132, 33471991, 38409229)

Center for Genomic Medicine, Rigshospitalet, Copenhagen University Hospital
Classification: Uncertain significance. Last evaluated: 2025-03-04. Review status: criteria provided, single submitter. Criteria: ACMG Guidelines, 2015. Collection method: clinical testing. Allele origin: germline.

Center for Genomic Medicine, Rigshospitalet, Copenhagen University Hospital
Classification: Uncertain significance for Neoplasm. Last evaluated: 2025-03-04. Review status: criteria provided, single submitter. Criteria: ClinGen/CGC/VICC Guidelines for Oncogenicity, 2022. Collection method: clinical testing. Allele origin: somatic. Affected: yes.

Blueprint Genetics
Classification: Uncertain significance. Last evaluated: 2024-11-23. Review status: criteria provided, single submitter. Criteria: ACMG Guidelines, 2015. Collection method: clinical testing. Allele origin: germline.

ARUP Laboratories, Molecular Genetics and Genomics, ARUP Laboratories
Classification: Uncertain significance. Last evaluated: 2024-09-16. Review status: criteria provided, single submitter. Criteria: ARUP Molecular Germline Variant Investigation Process 2024. Collection method: clinical testing. Allele origin: germline.
Comment: The ATM c.1010G>A; p.Arg337His variant (rs202160435, ClinVar ID: 127328) is reported in the literature in individuals affected with breast, prostate and pancreatic cancer (George 2021, Girard 2019, Karlsson, Yu 2021). This variant is also reported in a healthy control (Girard 2019). This variant is found in the general population with an overall allele frequency of 0.008% (20/251,160 alleles) in the Genome Aggregation Database (v2.1.1). Computational analyses are uncertain whether this variant is neutral or deleterious (REVEL: 0.379). However, given the lack of functional data, the significance of this variant is uncertain at this time. References: George SHL et al. Gene Sequencing for Pathogenic Variants Among Adults With Breast and Ovarian Cancer in the Caribbean. JAMA Netw Open. 2021 Mar 1;4(3):e210307. PMID: 33646313. Girard E et al. Familial breast cancer and DNA repair genes: Insights into known and novel susceptibility genes from the GENESIS study, and implications for multigene panel testing. Int J Cancer. 2019 Apr 15;144(8):1962-1974. PMID: 30303537. Karlsson Q et al. Rare Germline Variants in ATM Predispose to Prostate Cancer: A PRACTICAL Consortium Study. Eur Urol Oncol. 2021 Aug;4(4):570-579. PMID: 33436325. Yu Y et al. A whole-exome case-control association study to characterize the contribution of rare coding variation to pancreatic cancer risk. HGG Adv. 2021 Dec 10;3(1):100078. PMID: 35047863.

CeGaT Center for Human Genetics Tuebingen
Classification: Likely benign. Last evaluated: 2024-09-01. Review status: criteria provided, single submitter. Criteria: CeGaT Center For Human Genetics Tuebingen Variant Classification Criteria Version 2. Collection method: clinical testing. Allele origin: germline. Affected: yes. Observed: 3 variant alleles.
Comment: ATM: PM2, PM5, BP1, BS2

Quest Diagnostics Nichols Institute San Juan Capistrano
Classification: Uncertain significance. Last evaluated: 2024-07-25. Review status: criteria provided, single submitter. Criteria: Quest Diagnostics criteria. Collection method: clinical testing. Allele origin: unknown.

Myriad Genetics, Inc.
Classification: Likely benign for Familial cancer of breast. Last evaluated: 2024-04-24. Review status: criteria provided, single submitter. Criteria: Myriad Autosomal Dominant, Autosomal Recessive and X-Linked Classification Criteria (2023). Collection method: clinical testing. Allele origin: unknown.
Comment: This variant is considered likely benign. This variant is strongly associated with less severe personal and family histories of cancer, typical for individuals without pathogenic variants in this gene [PMID: 25085752].

Mendelics
Classification: Likely benign for Ataxia-telangiectasia syndrome. Last evaluated: 2024-04-09. Review status: criteria provided, single submitter. Criteria: ACMG Guidelines, 2015. Collection method: clinical testing. Allele origin: unknown.

Athena Diagnostics
Classification: Uncertain significance. Last evaluated: 2023-12-27. Review status: criteria provided, single submitter. Criteria: Athena Diagnostics Criteria. Collection method: clinical testing. Allele origin: unknown.
Comment: Available data are insufficient to determine the clinical significance of the variant at this time. The frequency of this variant in the general population is uninformative in assessment of its pathogenicity. Assessment of experimental evidence regarding the effect of this variant on protein function is inconclusive. Fibroblasts homozygous for this variant had normal radiation sensitivity, however, further studies are required to determine the global effect of this variant on ATM protein function (PMID: 30425284).